The following is an entry in ClinVar:

NM_012469.4(PRPF6):c.2112C>G (p.His704Gln)

Gene: PRPF6 (pre-mRNA processing factor 6; plus strand). Cytogenetic location: 20q13.33.
Variant type: single nucleotide variant.
Coding change: c.2112C>G on transcript NM_012469.4 (MANE Select); coding-DNA position 2112, C replaced by G.
Protein change: p.His704Gln; replaces histidine 704 with glutamine.
Molecular consequence: missense variant.
Genome position (GRCh38, 1-based): chr20:64,027,065, C>G. VCF-style: chr20-64027065-C-G. GRCh37 (hg19) VCF-style: chr20-62658418-C-G.
Other names: short protein forms H704Q.
Identifiers: ClinVar variation 2828019 (VCV002828019.3), dbSNP rs2517650806, ClinGen allele CA409739957.

ClinVar aggregate classification (germline): Uncertain significance (1 of 4 stars; one submission).

Submission:

Labcorp Genetics (formerly Invitae), Labcorp
Classification: Uncertain significance. Last evaluated: 2023-01-13. Review status: criteria provided, single submitter. Criteria: Invitae Variant Classification Sherloc (09022015). Collection method: clinical testing. Allele origin: germline.
Comment: In summary, the available evidence is currently insufficient to determine the role of this variant in disease. Therefore, it has been classified as a Variant of Uncertain Significance. Advanced modeling of protein sequence and biophysical properties (such as structural, functional, and spatial information, amino acid conservation, physicochemical variation, residue mobility, and thermodynamic stability) performed at Invitae indicates that this missense variant is not expected to disrupt PRPF6 protein function. This variant has not been reported in the literature in individuals affected with PRPF6-related conditions. This variant is not present in population databases (gnomAD no frequency). This sequence change replaces histidine, which is basic and polar, with glutamine, which is neutral and polar, at codon 704 of the PRPF6 protein (p.His704Gln).